The following is an entry in ClinVar:

ClinVar aggregate classification (germline): Pathogenic/Likely pathogenic. Review status: criteria provided, multiple submitters, no conflicts (2 of 4 stars). 10 submissions from 10 submitters: Pathogenic (9); Likely pathogenic (1). Last evaluated 2025-09-05.

Conditions:
ATM-related cancer predisposition. Also called: ATM-related cancer susceptibility. Identifiers: MedGen CN377759, MONDO:0700270.
Hereditary cancer-predisposing syndrome. Also called: Hereditary neoplastic syndrome; Neoplastic Syndromes, Hereditary; Hereditary Cancer Syndrome; Tumor predisposition. Identifiers: Orphanet 140162, MedGen C0027672, MeSH D009386, MONDO:0015356.
Familial cancer of breast. Also called: Hereditary breast cancer; BREAST CANCER, FAMILIAL; hereditary breast carcinoma. Identifiers: Orphanet 227535, MedGen C0346153, MONDO:0016419, OMIM 114480. Disease mechanism: loss of function.
Ataxia-telangiectasia syndrome (AT). Also called: Ataxia telangiectasia (A-T); Cerebello-oculocutaneous telangiectasia; Immunodeficiency with ataxia telangiectasia; Ataxia-telangiectasia; Ataxia-telangiectasia, complementation group D; AT, COMPLEMENTATION GROUP C. Identifiers: Orphanet 100, MedGen C0004135, MONDO:0008840, OMIM 208900.

Allele frequency attached by ClinVar (database versions not stated): gnomAD 0.00001; gnomAD exomes below 0.00001; ExAC 0.00001.

Submissions (10):

Natera, Inc.
Classification: Likely pathogenic for Ataxia-telangiectasia. Last evaluated: 2025-09-05. Review status: criteria provided, single submitter. Criteria: Natera Variant Classification Schema (03/2026). Collection method: clinical testing. Allele origin: germline.
Comment: The c.43del variant in ATM is a frameshift variant predicted to shift the reading frame and introduce a stop codon. This variant is expected to result in nonsense mediated decay, truncation, or a dysfunctional protein product. This variant is rare in the general population with a frequency below the threshold expected for the associated phenotype(s). Given the available evidence, this variant is classified as Likely Pathogenic.

Labcorp Genetics (formerly Invitae), Labcorp
Classification: Pathogenic for Ataxia-telangiectasia syndrome. Last evaluated: 2025-07-10. Review status: criteria provided, single submitter. Criteria: Invitae Variant Classification Sherloc (09022015). Collection method: clinical testing. Allele origin: germline.
Comment: This sequence change creates a premature translational stop signal (p.Leu15*) in the ATM gene. It is expected to result in an absent or disrupted protein product. Loss-of-function variants in ATM are known to be pathogenic (PMID: 23807571, 25614872). This variant is present in population databases (rs771887195, gnomAD 0.003%). This premature translational stop signal has been observed in individual(s) with breast cancer (PMID: 28528518, 28779002). ClinVar contains an entry for this variant (Variation ID: 232822). RNA analysis performed to evaluate the impact of this premature translational stop signal on mRNA splicing indicates it does not significantly alter splicing (internal data). For these reasons, this variant has been classified as Pathogenic.

Molecular Diagnostics Laboratory, Catalan Institute of Oncology
Classification: Pathogenic for Hereditary cancer-predisposing syndrome. Last evaluated: 2025-04-23. Review status: criteria provided, single submitter. Criteria: ClinGen ACMG Specifications ATM V1.1.0. Collection method: clinical testing. Allele origin: germline.
Comment: PVS1, PM2_Supporting, PM5_Supporting c.43del, located in exon 2 of the ATM gene, consists in the deletion of one nucleotide, is expected to result in loss of function by premature protein truncation, p.(Leu15*).This alteration is expected to result in loss of function by premature protein truncation and nonsense-mediated mRNA decay (PVS1, PM5_Supporting). The variant allele was found in 1/268266 alleles in the population in the gnomAD v2.1.1 database (non-cancer data set). (PM2_Supporting). The SpliceAI algorithm is indeterminate regarding the impact on splicing (0.29), in the case that this change would affect splicing, this exon (2) is in pattern, however it contains the first methionine and variants affecting the initiator methionine are considered PVS1, therefore we maintain the strength as PVS1.. To our knowledge, functional studies have not been reported for this variant. In addition, it has been reported in ClinVar database (6x as pathogenic) and in LOVD database (2x not classified). Based on currently available information, the variant c.43del is classified as a pathogenic variant according to ClinGen-ATM Guidelines version v1.1.

Ambry Genetics
Classification: Pathogenic for Hereditary cancer-predisposing syndrome. Last evaluated: 2025-01-30. Review status: criteria provided, single submitter. Criteria: Ambry Variant Classification Scheme 2023. Collection method: clinical testing. Allele origin: germline.
Comment: The c.43delC pathogenic mutation, located in coding exon 1 of the ATM gene, results from a deletion of one nucleotide at nucleotide position 43, causing a translational frameshift with a predicted alternate stop codon (p.L15*). This mutation has been identified in hereditary breast and/or ovarian cancer cohorts (Fonfria M et al. J Pers Med 2021 Jun;11(6); Cock-Rada M et al. Fam Cancer 2018 01;17(1):23-30). One case-control study detected this mutation in 0/3030 pancreatic cancer cases and 2/123136 population controls (Hu C et al. JAMA, 2018 06;319:2401-2409). This variant is considered to be rare based on population cohorts in the Genome Aggregation Database (gnomAD). In addition to the clinical data presented in the literature, this alteration is expected to result in loss of function by premature protein truncation or nonsense-mediated mRNA decay. As such, this alteration is interpreted as a disease-causing mutation.

Myriad Genetics, Inc.
Classification: Pathogenic for Familial cancer of breast. Last evaluated: 2024-01-05. Review status: criteria provided, single submitter. Criteria: Myriad Autosomal Dominant, Autosomal Recessive and X-Linked Classification Criteria (2023). Collection method: clinical testing. Allele origin: unknown.
Comment: This variant is considered pathogenic. This variant creates a termination codon and is predicted to result in premature protein truncation.

Department of Pathology and Laboratory Medicine, Sinai Health System
Classification: Pathogenic for Familial cancer of breast. Last evaluated: 2023-08-23. Review status: criteria provided, single submitter. Criteria: ACMG Guidelines, 2015. Collection method: clinical testing. Allele origin: germline. Affected: yes.

Baylor Genetics
Classification: Pathogenic for Familial cancer of breast. Last evaluated: 2023-08-04. Review status: criteria provided, single submitter. Criteria: ACMG Guidelines, 2015. Collection method: clinical testing. Allele origin: unknown.

Institute for Genomic Medicine (IGM) Clinical Laboratory, Nationwide Children's Hospital
Classification: Pathogenic for ATM-related cancer predisposition. Last evaluated: 2023-07-06. Review status: criteria provided, single submitter. Criteria: ACMG Guidelines, 2015. Collection method: clinical testing. Allele origin: germline.
Comment: This variant is predicted to result in loss of function through nonsense-mediated decay of the encoded transcript or premature truncation of the encoded protein in a gene in which loss of function is a known mechanism of disease (ACMG/AMP: PVS1; PMIDs:10677309, 33509806). This variant has been reported at an elevated frequency in affected individuals/in multiple affected individuals in the literature (ACMG/AMP: PS4_Moderate; PMIDs:28528518, 28779002, 34204722). This variant is absent from or present at an exceedingly low frequency in gnomAD, a large-scale control population database (ACMG/AMP: PM2).

Color Diagnostics, LLC DBA Color Health
Classification: Pathogenic for Hereditary cancer-predisposing syndrome. Last evaluated: 2020-08-25. Review status: criteria provided, single submitter. Criteria: ACMG Guidelines, 2015. Collection method: clinical testing. Allele origin: germline.
Comment: This variant deletes 1 nucleotide in exon 2 of the ATM gene, creating a frameshift and premature translation stop signal. This variant is expected to result in an absent or non-functional protein product. This variant has been reported in an individual affected with familial breast cancer (PMID: 28528518, 31658756). This variant has been identified in 1/251400 chromosomes in the general population by the Genome Aggregation Database (gnomAD). Loss of ATM function is a known mechanism of disease. Based on the available evidence, this variant is classified as Pathogenic.

GeneDx
Classification: Pathogenic. Last evaluated: 2019-11-05. Review status: criteria provided, single submitter. Criteria: GeneDx Variant Classification Process June 2021. Collection method: clinical testing. Allele origin: germline. Affected: yes.
Comment: Nonsense variant predicted to result in protein truncation or nonsense mediated decay in a gene for which loss-of-function is a known mechanism of disease; Not observed at a significant frequency in large population cohorts (Lek 2016); Observed in individuals with ATM-related cancers (Cock-Rada 2017, Decker 2017); This variant is associated with the following publications: (PMID: 28528518, 28779002)

Literature cited by the submitters: PubMed 23807571 (cited by Labcorp Genetics (formerly Invitae), Labcorp); PubMed 25614872 (cited by Labcorp Genetics (formerly Invitae), Labcorp); PubMed 28528518 (cited by 3 submitters); PubMed 28779002 (cited by 3 submitters); PubMed 29922827 (cited by Ambry Genetics); PubMed 34204722 (cited by Department of Pathology and Laboratory Medicine, Sinai Health System and Institute for Genomic Medicine (IGM) Clinical Laboratory, Nationwide Children's Hospital); PubMed 10677309 (cited by Institute for Genomic Medicine (IGM) Clinical Laboratory, Nationwide Children's Hospital); PubMed 33509806 (cited by Institute for Genomic Medicine (IGM) Clinical Laboratory, Nationwide Children's Hospital).

NM_000051.4(ATM):c.43del (p.Gln14_Leu15insTer)

Gene: ATM (ATM serine/threonine kinase; plus strand). Cytogenetic location: 11q22.3.
Variant type: Deletion.
Coding change: c.43del on transcript NM_000051.4 (MANE Select); coding-DNA position 43, one base deleted (C; older notation c.43delC).
Protein change: p.Gln14_Leu15insTer.
Molecular consequence: nonsense.
Genome position (GRCh38, 1-based): chr11:108,227,667, C deleted. VCF-style (leftmost placement, unchanged base first): chr11-108227666-AC-A. GRCh37 (hg19) VCF-style: chr11-108098393-AC-A.
Other names: c.43del, p.Gln14_Leu15insTer (NM_001351834.2, NM_001351835.2, NM_001351836.2); c.43delC (NM_000051.3).
Identifiers: ClinVar variation 232822 (VCV000232822.21), dbSNP rs771887195, ClinGen allele CA6264499.